The following is an entry in ClinVar:

NM_000069.3(CACNA1S):c.2166del (p.Ile722fs)

Gene: CACNA1S (calcium voltage-gated channel subunit alpha1 S; minus strand). Cytogenetic location: 1q32.1.
Variant type: Deletion.
Coding change: c.2166del on transcript NM_000069.3 (MANE Select); coding-DNA position 2166, one base deleted (C; older notation c.2166delC).
Protein change: p.Ile722fs; shifts the reading frame from isoleucine 722.
Molecular consequence: frameshift variant.
Genome position (GRCh38, 1-based): chr1:201,072,816, G deleted on the plus strand (C on the coding strand, the reverse complement: CACNA1S is on the minus strand). VCF-style (leftmost placement, unchanged base first): chr1-201072815-CG-C. GRCh37 (hg19) VCF-style: chr1-201041943-CG-C.
Other names: short protein forms I722fs.
Identifiers: ClinVar variation 3071792 (VCV003071792.2), dbSNP rs2464547155, ClinGen allele CA2747336777.

ClinVar aggregate classification (germline): Conflicting classifications of pathogenicity. Review status: criteria provided, conflicting classifications (1 of 4 stars). 2 submissions from 2 submitters: Pathogenic (1); Uncertain significance (1). Last evaluated 2025-10-17.

Conditions:
Malignant hyperthermia, susceptibility to, 5 (MHS5). Also called: CACNA1S-Related Malignant Hyperthermia Susceptibility. Identifiers: Orphanet 423, MedGen C1866077, MONDO:0011163, OMIM 601887.
Hypokalemic periodic paralysis, type 1. Also called: HypoPP; Hypokalemic Periodic Paralysis Type 1 (AD). Identifiers: Orphanet 681, MedGen C3714580, MONDO:0042979, OMIM 170400.

Submissions (2):

Labcorp Genetics (formerly Invitae), Labcorp
Classification: Pathogenic for Hypokalemic periodic paralysis, type 1; Malignant hyperthermia, susceptibility to, 5. Last evaluated: 2025-10-17. Review status: criteria provided, single submitter. Criteria: Invitae Variant Classification Sherloc (09022015). Collection method: clinical testing. Allele origin: germline.
Comment: This sequence change creates a premature translational stop signal (p.Ile722Metfs*11) in the CACNA1S gene. It is expected to result in an absent or disrupted protein product. Loss-of-function variants in CACNA1S are known to be pathogenic (PMID: 26247046, 28012042). This variant is not present in population databases (gnomAD no frequency). This variant has not been reported in the literature in individuals affected with CACNA1S-related conditions. ClinVar contains an entry for this variant (Variation ID: 3071792). For these reasons, this variant has been classified as Pathogenic.

All of Us Research Program, National Institutes of Health
Classification: Uncertain significance for Malignant hyperthermia, susceptibility to, 5. Last evaluated: 2023-06-26. Review status: criteria provided, single submitter. Criteria: ACMG Guidelines, 2015. Collection method: clinical testing. Allele origin: germline. Inheritance: Autosomal dominant inheritance. Observed: 1 variant allele, 1 heterozygote.
Comment: This variant deletes 1 nucleotide in exon 16 of the CACNA1S gene, creating a frameshift and premature translation stop signal. This variant is expected to result in an absent or non-functional protein product. To our knowledge, this variant has not been reported in individuals affected with CACNA1S-related disorders in the literature. This variant has not been identified in the general population by the Genome Aggregation Database (gnomAD). Loss of CACNA1S gene function due to haploinsufficiency is not an established disease mechanism for autosomal dominant malignant hyperthermia, although it is associated with other phenotype(s) (PMID: 28012042, 34608571, 34777470). Due to insufficient evidence, this variant is classified as a Variant of Uncertain Significance for autosomal dominant malignant hyperthermia.

This study involves interpretation of variants in research participants for the purpose of population health screening. Participant phenotype was not available at the time of variant classification. Additional details can be found in publication PMID: 35346344, PMCID: PMC8962531

Literature cited by the submitters: PubMed 26247046 (cited by Labcorp Genetics (formerly Invitae), Labcorp); PubMed 28012042 (cited by Labcorp Genetics (formerly Invitae), Labcorp and All of Us Research Program, National Institutes of Health); PubMed 34608571 (cited by All of Us Research Program, National Institutes of Health); PubMed 34777470 (cited by All of Us Research Program, National Institutes of Health).